The following is an entry in ClinVar:

GRCh38/hg38 16p12.2(chr16:21827098-22396630)x1

Genes: CDR2 (cerebellar degeneration related protein 2), CDR2-DT (CDR2 divergent transcript), EEF2K (eukaryotic elongation factor 2 kinase), MOSMO (modulator of smoothened), NPIPB4 (nuclear pore complex interacting protein family member B4) and 33 more. Cytogenetic location: 16p12.2.
Variant type: copy number loss.
Change: copy number 1 (one copy instead of two) of chr16:21,827,098-22,396,630 (569.5 kb, GRCh38 coordinates, 1-based), cytogenetic band 16p12.2.
Identifiers: ClinVar variation 146738 (VCV000146738.2).

ClinVar aggregate classification (germline): conflicting data from submitters (0 of 4 stars; one submission).

Submission:

ISCA site 4
Classification: conflicting data from submitters. Last evaluated: 2012-09-21. Review status: no assertion criteria provided. Collection method: clinical testing. Allele origin: unknown. Affected: yes. Observed: 2 variant alleles.
Comment: Pathogenic(1), Uncertain significance(1)

Copy number variation identified through the course of routine clinical cytogenomic testing in postnatal populations, with clinical assertions as classified by the original submitter.